The following is an entry in ClinVar:

NM_001164508.2(NEB):c.11104G>T (p.Asp3702Tyr)

Gene: NEB (nebulin; minus strand). Cytogenetic location: 2q23.3.
Variant type: single nucleotide variant.
Coding change: c.11104G>T on transcript NM_001164508.2 (MANE Select); coding-DNA position 11104, G replaced by T.
Protein change: p.Asp3702Tyr; replaces aspartic acid 3702 with tyrosine.
Molecular consequence: missense variant.
Genome position (GRCh38, 1-based): chr2:151,617,441, C>A on the plus strand (G>T on the coding strand, the complement: NEB is on the minus strand). VCF-style: chr2-151617441-C-A. GRCh37 (hg19) VCF-style: chr2-152473955-C-A.
Other names: c.11104G>T, p.Asp3702Tyr (NM_001164507.2, NM_001271208.2); c.10375G>T, p.Asp3459Tyr (NM_004543.5); short protein forms D3459Y, D3702Y.
Identifiers: ClinVar variation 4795373 (VCV004795373.1).

ClinVar aggregate classification (germline): Uncertain significance (1 of 4 stars; one submission).

Submission:

GeneDx
Classification: Uncertain significance. Last evaluated: 2025-08-13. Review status: criteria provided, single submitter. Criteria: GeneDx Variant Classification Process June 2021. Collection method: clinical testing. Allele origin: germline. Affected: yes.
Comment: Not observed at significant frequency in large population cohorts (gnomAD); In silico analysis supports that this missense variant has a deleterious effect on protein structure/function; Has not been previously published as pathogenic or benign to our knowledge